The following is an entry in ClinVar:

ClinVar aggregate classification (germline): Uncertain significance (1 of 4 stars; one submission).

gnomAD v4.1: 2 of 1,614,134 alleles (0.00012%); no homozygotes.

Submission:

Women's Health and Genetics/Laboratory Corporation of America, LabCorp
Classification: Uncertain significance. Last evaluated: 2025-02-14. Review status: criteria provided, single submitter. Criteria: LabCorp Variant Classification Summary - May 2015. Collection method: clinical testing. Allele origin: germline.
Comment: Variant summary: SETBP1 c.3487A>G (p.Ile1163Val) results in a conservative amino acid change in the encoded protein sequence. Four of four in-silico tools predict a benign effect of the variant on protein function. The variant allele was found at a frequency of 1.2e-05 in 251328 control chromosomes (gnomAD). The available data on variant occurrences in the general population are insufficient to allow any conclusion about variant significance. To our knowledge, no occurrence of c.3487A>G in individuals affected with SETBP1-Related Disorders and no experimental evidence demonstrating its impact on protein function have been reported. No submitters have cited clinical-significance assessments for this variant to ClinVar. Based on the evidence outlined above, the variant was classified as uncertain significance.

NM_015559.3(SETBP1):c.3487A>G (p.Ile1163Val)

Gene: SETBP1 (SET binding protein 1; plus strand). Cytogenetic location: 18q12.3.
Variant type: single nucleotide variant.
Coding change: c.3487A>G on transcript NM_015559.3 (MANE Select); coding-DNA position 3487, A replaced by G.
Protein change: p.Ile1163Val; replaces isoleucine 1163 with valine.
Molecular consequence: missense variant.
Genome position (GRCh38, 1-based): chr18:44,952,827, A>G. VCF-style: chr18-44952827-A-G. GRCh37 (hg19) VCF-style: chr18-42532792-A-G.
Other names: c.3487A>G, p.Ile1163Val (NM_001379141.1, NM_001379142.1, NM_001410862.1); short protein forms I1163V.
Identifiers: ClinVar variation 3769048 (VCV003769048.1).
Genomic context (GRCh38, chr18:44,952,827, plus strand): 5'-TCCAGTGGTCGGCTCCATAAGAGGAAACACAAACACAAGCATAAGCACAAGGAAGACCGG[A>G]TCCTAGGGACCCATGACAACCTGAGTGGTCTTTTTGCAGGCAAAGCCACAGGCTTCTCCA-3'
Protein context (NP_056374.2, residues 1153-1173): KHKHKHKEDR[Ile1163Val]LGTHDNLSGL